The following is an entry in ClinVar:

ClinVar aggregate classification (germline): Pathogenic (1 of 4 stars; one submission).

Submission:

Labcorp Genetics (formerly Invitae), Labcorp
Classification: Pathogenic. Last evaluated: 2024-12-21. Review status: criteria provided, single submitter. Criteria: Invitae Variant Classification Sherloc (09022015). Collection method: clinical testing. Allele origin: germline.
Comment: This sequence change creates a premature translational stop signal (p.Phe91Tyrfs*18) in the FBXL4 gene. It is expected to result in an absent or disrupted protein product. Loss-of-function variants in FBXL4 are known to be pathogenic (PMID: 23993193, 23993194, 25868664). This variant is not present in population databases (gnomAD no frequency). This variant has not been reported in the literature in individuals affected with FBXL4-related conditions. For these reasons, this variant has been classified as Pathogenic.

Literature cited by the submitters: PubMed 23993193; PubMed 23993194; PubMed 25868664.

NM_001278716.2(FBXL4):c.272_273del (p.Phe91fs)

Gene: FBXL4 (F-box and leucine rich repeat protein 4; minus strand). Cytogenetic location: 6q16.2.
Variant type: Deletion.
Coding change: c.272_273del on transcript NM_001278716.2 (MANE Select); coding-DNA positions 272 to 273, 2 bases deleted (TT; older notation c.272_273delTT).
Protein change: p.Phe91fs; shifts the reading frame from phenylalanine 91.
Molecular consequence: frameshift variant. On other transcripts: non-coding transcript variant (2).
Genome position (GRCh38, 1-based): chr6:98,926,716-98,926,717, AA deleted on the plus strand (TT on the coding strand, the reverse complement: FBXL4 is on the minus strand); deleting any 2 consecutive bases within chr6:98,926,716-98,926,718 gives the same sequence; the c. name uses the placement nearest the transcript's 3' end. VCF-style (leftmost placement, unchanged base first): chr6-98926715-TAA-T. GRCh37 (hg19) VCF-style: chr6-99374591-TAA-T.
Other names: c.272_273del, p.Phe91fs (NM_012160.5); short protein forms F91fs.
Identifiers: ClinVar variation 3690074 (VCV003690074.2).